The following is an entry in ClinVar:

ClinVar aggregate classification (germline): Conflicting classifications of pathogenicity. Review status: criteria provided, conflicting classifications (1 of 4 stars). 5 submissions from 4 submitters: Uncertain significance (4); Likely benign (1). Last evaluated 2025-08-30.

Conditions:
Inborn genetic diseases. Identifiers: MedGen C0950123, MeSH D030342.
Ectopia lentis et pupillae. Also called: ECTOPIA LENTIS WITH ECTOPIA OF PUPIL. Identifiers: Orphanet 1885, MedGen C1644196, MONDO:0009153, OMIM 225200.
Ectopia lentis 2, isolated, autosomal recessive (ECTOL2). Identifiers: Orphanet 1885, MedGen C3541474, MONDO:0009152, OMIM 225100.

Allele frequency attached by ClinVar (database versions not stated): gnomAD exomes 0.00001 and 0.00003; gnomAD 0.00002 and 0.00003; ExAC 0.00003; TOPMed 0.00003; 1000 Genomes Project 30x 0.00016; 1000 Genomes Project 0.00020.
gnomAD v4.1: 42 of 1,612,712 alleles (0.0026%); highest among the groups gnomAD compares: African/African-American, 0.004%; no homozygotes.

Submissions (5):

Ambry Genetics
Classification: Likely benign for Inborn genetic diseases. Last evaluated: 2025-08-30. Review status: criteria provided, single submitter. Criteria: Ambry Variant Classification Scheme 2023. Collection method: clinical testing. Allele origin: germline.

Genome-Nilou Lab
Classification: Uncertain significance for Ectopia lentis et pupillae. Last evaluated: 2023-04-11. Review status: criteria provided, single submitter. Criteria: ACMG Guidelines, 2015. Collection method: clinical testing. Allele origin: germline. Affected: no.

Genome-Nilou Lab
Classification: Uncertain significance for Ectopia lentis 2, isolated, autosomal recessive. Last evaluated: 2023-04-11. Review status: criteria provided, single submitter. Criteria: ACMG Guidelines, 2015. Collection method: clinical testing. Allele origin: germline. Affected: no.

Labcorp Genetics (formerly Invitae), Labcorp
Classification: Uncertain significance. Last evaluated: 2022-10-03. Review status: criteria provided, single submitter. Criteria: Invitae Variant Classification Sherloc (09022015). Collection method: clinical testing. Allele origin: germline.
Comment: This sequence change replaces arginine, which is basic and polar, with cysteine, which is neutral and slightly polar, at codon 913 of the ADAMTSL4 protein (p.Arg913Cys). This variant is present in population databases (rs587652739, gnomAD 0.003%). This variant has not been reported in the literature in individuals affected with ADAMTSL4-related conditions. ClinVar contains an entry for this variant (Variation ID: 874505). Advanced modeling of protein sequence and biophysical properties (such as structural, functional, and spatial information, amino acid conservation, physicochemical variation, residue mobility, and thermodynamic stability) performed at Invitae indicates that this missense variant is not expected to disrupt ADAMTSL4 protein function. In summary, the available evidence is currently insufficient to determine the role of this variant in disease. Therefore, it has been classified as a Variant of Uncertain Significance.

Illumina Laboratory Services, Illumina
Classification: Uncertain significance for Ectopia lentis 2, isolated, autosomal recessive. Last evaluated: 2018-01-13. Review status: criteria provided, single submitter. Criteria: ICSL Variant Classification Criteria 13 December 2019. Collection method: clinical testing. Allele origin: germline.

NM_019032.6(ADAMTSL4):c.2737C>T (p.Arg913Cys)

Gene: ADAMTSL4 (ADAMTS like 4; plus strand). Cytogenetic location: 1q21.2.
Variant type: single nucleotide variant.
Coding change: c.2737C>T on transcript NM_019032.6 (MANE Select); coding-DNA position 2737, C replaced by T.
Protein change: p.Arg913Cys; replaces arginine 913 with cysteine.
Molecular consequence: missense variant.
Genome position (GRCh38, 1-based): chr1:150,559,139, C>T. VCF-style: chr1-150559139-C-T. GRCh37 (hg19) VCF-style: chr1-150531615-C-T.
Other names: c.2620C>T, p.Arg874Cys (NM_001288607.2); c.2806C>T, p.Arg936Cys (NM_001288608.2); c.2737C>T, p.Arg913Cys (NM_001378596.1); short protein forms R874C, R913C, R936C.
Identifiers: ClinVar variation 874505 (VCV000874505.7), dbSNP rs587652739, ClinGen allele CA1078821.